The following is an entry in ClinVar:

ClinVar aggregate classification (germline): Likely benign (1 of 4 stars; one submission).

gnomAD v4.1: 55 of 1,613,662 alleles (0.0034%); highest among the groups gnomAD compares: Middle Eastern, 0.016%; no homozygotes.

Submission:

CeGaT Center for Human Genetics Tuebingen
Classification: Likely benign. Last evaluated: 2025-02-01. Review status: criteria provided, single submitter. Criteria: CeGaT Center For Human Genetics Tuebingen Variant Classification Criteria Version 2. Collection method: clinical testing. Allele origin: germline. Affected: yes. Observed: 1 variant allele.
Comment: KLC3: BP4, BP7

NM_177417.3(KLC3):c.1209C>T (p.His403=)

Genes: ERCC2 (ERCC excision repair 2, TFIIH core complex helicase subunit; minus strand), KLC3 (kinesin light chain 3; plus strand). Cytogenetic location: 19q13.32.
Variant type: single nucleotide variant.
Coding change: c.1209C>T on transcript NM_177417.3 (MANE Select); coding-DNA position 1209, C replaced by T.
Protein change: p.His403=; no amino-acid change (histidine 403 retained).
Molecular consequence: synonymous variant. On other transcripts: 3 prime UTR variant (1).
Genome position (GRCh38, 1-based): chr19:45,350,406, C>T. VCF-style: chr19-45350406-C-T. GRCh37 (hg19) VCF-style: chr19-45853664-C-T.
Other names: c.*1223G>A (NM_000400.4).
Identifiers: ClinVar variation 3770984 (VCV003770984.13).